The following is an entry in ClinVar:

NM_024664.4(PPCS):c.832T>A (p.Leu278Ile)

Genes: CCDC30 (coiled-coil domain containing 30; plus strand), PPCS (phosphopantothenoylcysteine synthetase; plus strand). Cytogenetic location: 1p34.2.
Variant type: single nucleotide variant.
Coding change: c.832T>A on transcript NM_024664.4 (MANE Select); coding-DNA position 832, T replaced by A.
Protein change: p.Leu278Ile; replaces leucine 278 with isoleucine.
Molecular consequence: missense variant. On other transcripts: intron variant (2).
Genome position (GRCh38, 1-based): chr1:42,459,822, T>A. VCF-style: chr1-42459822-T-A. GRCh37 (hg19) VCF-style: chr1-42925493-T-A.
Other names: c.313T>A, p.Leu105Ile (NM_001077447.3, NM_001287506.1, NM_001287508.2 and 2 more transcripts); c.214T>A, p.Leu72Ile (NM_001287507.1); c.-880+2472T>A (NM_001355226.2); c.612+2472T>A (NM_001287511.2); short protein forms L278I, L105I, L72I.
Identifiers: ClinVar variation 1445563 (VCV001445563.7), dbSNP rs2148421785, ClinGen allele CA339950479.

ClinVar aggregate classification (germline): Uncertain significance (1 of 4 stars; one submission).

Submission:

Labcorp Genetics (formerly Invitae), Labcorp
Classification: Uncertain significance. Last evaluated: 2021-08-23. Review status: criteria provided, single submitter. Criteria: Invitae Variant Classification Sherloc (09022015). Collection method: clinical testing. Allele origin: germline.
Comment: This sequence change replaces leucine with isoleucine at codon 278 of the PPCS protein (p.Leu278Ile). The leucine residue is moderately conserved and there is a small physicochemical difference between leucine and isoleucine. This variant is not present in population databases (ExAC no frequency). This variant has not been reported in the literature in individuals affected with PPCS-related conditions. Algorithms developed to predict the effect of missense changes on protein structure and function output the following: SIFT: "Tolerated"; PolyPhen-2: "Benign"; Align-GVGD: "Class C0". The isoleucine amino acid residue is found in multiple mammalian species, which suggests that this missense change does not adversely affect protein function. In summary, the available evidence is currently insufficient to determine the role of this variant in disease. Therefore, it has been classified as a Variant of Uncertain Significance.